The following is an entry in ClinVar:

ClinVar aggregate classification (germline): Benign (1 of 4 stars; one submission).

Allele frequency attached by ClinVar (database versions not stated): 1000 Genomes Project 30x 0.77889; 1000 Genomes Project 0.77995; gnomAD 0.79340 and 0.79437; TOPMed 0.79582.
gnomAD v4.1: 120,586 of 151,912 alleles (79%); highest among the groups gnomAD compares: East Asian, 84%; 47,891 homozygotes.

Submission:

GeneDx
Classification: Benign. Last evaluated: 2018-06-14. Review status: criteria provided, single submitter. Criteria: GeneDx Variant Classification (06012015). Collection method: clinical testing. Allele origin: germline. Affected: yes.
Comment: This variant is considered likely benign or benign based on one or more of the following criteria: it is a conservative change, it occurs at a poorly conserved position in the protein, it is predicted to be benign by multiple in silico algorithms, and/or has population frequency not consistent with disease.

NM_001258392.3(CLPB):c.456-4731G>T

Gene: CLPB (ClpB family mitochondrial disaggregase; minus strand). Cytogenetic location: 11q13.4.
Variant type: single nucleotide variant.
Coding change: c.456-4731G>T on transcript NM_001258392.3 (MANE Select); 4731 bases into the intron before coding-DNA position 456, G replaced by T.
Molecular consequence: intron variant.
Genome position (GRCh38, 1-based): chr11:72,407,783, C>A on the plus strand (G>T on the coding strand, the complement: CLPB is on the minus strand). VCF-style: chr11-72407783-C-A. GRCh37 (hg19) VCF-style: chr11-72118827-C-A.
Other names: c.455+22529G>T (NM_001258393.3); c.456-4731G>T (NM_030813.6); c.320+315G>T (NM_001258394.3).
Identifiers: ClinVar variation 683470 (VCV000683470.1), dbSNP rs4943891, ClinGen allele CA13421580.